The following is an entry in ClinVar:

ClinVar aggregate classification (germline): Likely benign. Review status: criteria provided, multiple submitters, no conflicts (2 of 4 stars). 3 submissions from 3 submitters: Likely benign (3). Last evaluated 2025-01-30.

Conditions:
Cardiovascular phenotype. Identifiers: MedGen CN230736.
Walker-Warburg congenital muscular dystrophy. Also called: Muscular dystrophy-dystroglycanopathy, type A; Walker-Warburg syndrome. Identifiers: Orphanet 899, MedGen C0265221, MONDO:0000171.

Allele frequency attached by ClinVar (database versions not stated): gnomAD 0.00002; TOPMed 0.00002; gnomAD exomes 0.00003 and 0.00006; ExAC 0.00004.

Submissions (3):

Labcorp Genetics (formerly Invitae), Labcorp
Classification: Likely benign for Walker-Warburg congenital muscular dystrophy. Last evaluated: 2025-01-30. Review status: criteria provided, single submitter. Criteria: Invitae Variant Classification Sherloc (09022015). Collection method: clinical testing. Allele origin: germline.

Ambry Genetics
Classification: Likely benign for Cardiovascular phenotype. Last evaluated: 2019-11-07. Review status: criteria provided, single submitter. Criteria: Ambry Variant Classification Scheme 2023. Collection method: clinical testing. Allele origin: germline.

GeneDx
Classification: Likely benign. Last evaluated: 2017-06-08. Review status: criteria provided, single submitter. Criteria: GeneDx Variant Classification (06012015). Collection method: clinical testing. Allele origin: germline. Affected: yes.
Comment: This variant is considered likely benign or benign based on one or more of the following criteria: it is a conservative change, it occurs at a poorly conserved position in the protein, it is predicted to be benign by multiple in silico algorithms, and/or has population frequency not consistent with disease.

NM_024301.5(FKRP):c.1317G>A (p.Val439=)

Gene: FKRP (fukutin related protein; plus strand). Cytogenetic location: 19q13.32.
Variant type: single nucleotide variant.
Coding change: c.1317G>A on transcript NM_024301.5 (MANE Select); coding-DNA position 1317, G replaced by A.
Protein change: p.Val439=; no amino-acid change (valine 439 retained).
Molecular consequence: synonymous variant.
Genome position (GRCh38, 1-based): chr19:46,756,767, G>A. VCF-style: chr19-46756767-G-A. GRCh37 (hg19) VCF-style: chr19-47260024-G-A.
Other names: c.1317G>A, p.Val439= (NM_001039885.3).
Identifiers: ClinVar variation 517933 (VCV000517933.13), dbSNP rs757615255, ClinGen allele CA9532295.